The following is an entry in ClinVar:

ClinVar aggregate classification (germline): Uncertain significance. Review status: criteria provided, multiple submitters, no conflicts (2 of 4 stars). 7 submissions from 7 submitters: Uncertain significance (7). Last evaluated 2025-11-05.

Conditions:
Hereditary cancer-predisposing syndrome. Also called: Neoplastic Syndromes, Hereditary; Tumor predisposition; Hereditary Cancer Syndrome; Hereditary neoplastic syndrome. Identifiers: Orphanet 140162, MedGen C0027672, MeSH D009386, MONDO:0015356.
Hereditary nonpolyposis colorectal neoplasms. Identifiers: MedGen C0009405, MeSH D003123.

Allele frequency attached by ClinVar (database versions not stated): TOPMed below 0.00001; gnomAD 0.00001; gnomAD exomes 0.00001.

Submissions (7):

Labcorp Genetics (formerly Invitae), Labcorp
Classification: Uncertain significance for Hereditary nonpolyposis colorectal neoplasms. Last evaluated: 2025-11-05. Review status: criteria provided, single submitter. Criteria: Invitae Variant Classification Sherloc (09022015). Collection method: clinical testing. Allele origin: germline.
Comment: This sequence change replaces phenylalanine, which is neutral and non-polar, with isoleucine, which is neutral and non-polar, at codon 778 of the PMS2 protein (p.Phe778Ile). The frequency data for this variant in the population databases (gnomAD) is considered unreliable due to the presence of homologous sequence, such as pseudogenes or paralogs, in the genome. This missense change has been observed in individual(s) with unspecified personal and/or family history of cancer (PMID: 31159747). ClinVar contains an entry for this variant (Variation ID: 233391). Invitae Evidence Modeling incorporating data from in vitro experimental studies (internal data) indicates that this missense variant is not expected to disrupt PMS2 function with a negative predictive value of 95%. In summary, the available evidence is currently insufficient to determine the role of this variant in disease. Therefore, it has been classified as a Variant of Uncertain Significance.

Ambry Genetics
Classification: Uncertain significance for Hereditary cancer-predisposing syndrome. Last evaluated: 2025-08-20. Review status: criteria provided, single submitter. Criteria: Ambry Variant Classification Scheme 2023. Collection method: clinical testing. Allele origin: germline.
Comment: The p.F778I variant (also known as c.2332T>A), located in coding exon 14 of the PMS2 gene, results from a T to A substitution at nucleotide position 2332. The phenylalanine at codon 778 is replaced by isoleucine, an amino acid with highly similar properties. This amino acid position is highly conserved in available vertebrate species. In addition, the in silico prediction for this alteration is inconclusive. Based on the available evidence, the clinical significance of this variant remains unclear.

Color Diagnostics, LLC DBA Color Health
Classification: Uncertain significance for Hereditary cancer-predisposing syndrome. Last evaluated: 2024-03-26. Review status: criteria provided, single submitter. Criteria: ACMG Guidelines, 2015. Collection method: clinical testing. Allele origin: germline.
Comment: This missense variant replaces phenylalanine with isoleucine at codon 778 of the PMS2 protein. Computational prediction suggests that this variant may have deleterious impact on protein structure and function (internally defined REVEL score threshold >= 0.7, PMID: 27666373). To our knowledge, functional studies have not been reported for this variant. This variant has not been reported in individuals affected with PMS2-related disorders in the literature. This variant has been identified in 3/250192 chromosomes in the general population by the Genome Aggregation Database (gnomAD). The available evidence is insufficient to determine the role of this variant in disease conclusively. Therefore, this variant is classified as a Variant of Uncertain Significance.

Sema4
Classification: Uncertain significance for Hereditary cancer-predisposing syndrome. Last evaluated: 2022-01-14. Review status: criteria provided, single submitter. Criteria: Sema4 Curation Guidelines. Collection method: curation. Allele origin: germline.
Comment: The PMS2 c.2332T>A (p.F778I) variant has been reported in 2 individuals with breast cancer but was also detected in 2 healthy individuals from a breast cancer case-control study (PMID: 33471991, 31159747). It was observed in 2/112866 chromosomes of the Non-Finnish European (NFE) subpopulation in the large and broad cohorts of the Genome Aggregation Database (PMID: 32461654). This variant has been reported in ClinVar (Variation ID 233391). In silico tools suggest the impact of the variant on protein function is deleterious, though these predictions have not been confirmed by functional studies. The evidence is insufficient to meet ACMG/AMP criteria for classifying the variant as benign or pathogenic. Thus, the clinical significance of this variant is currently uncertain.

GeneDx
Classification: Uncertain significance. Last evaluated: 2018-08-02. Review status: criteria provided, single submitter. Criteria: GeneDx Variant Classification (06012015). Collection method: clinical testing. Allele origin: germline. Affected: yes.
Comment: This variant is denoted PMS2 c.2332T>A at the cDNA level, p.Phe778Ile (F778I) at the protein level, and results in the change of a Phenylalanine to an Isoleucine (TTC>ATC). This variant has not, to our knowledge, been published in the literature as pathogenic or benign. Although this variant was observed in large population cohorts, population data in this region of GENE are not considered reliable due to high pseudogene homology (Lek 2016). PMS2 Phe778Ile is located in the endonuclease domain (Fukui 2011). In silico analysis, which includes protein predictors and evolutionary conservation, supports a deleterious effect. Based on currently available information, it is unclear whether PMS2 Phe778Ile is pathogenic or benign. We consider it to be a variant of uncertain significance.

GeneKor MSA
Classification: Uncertain significance for Hereditary cancer-predisposing syndrome. Last evaluated: 2018-08-01. Review status: criteria provided, single submitter. Criteria: ACMG Guidelines, 2015. Collection method: clinical testing. Allele origin: germline. Affected: yes.

Quest Diagnostics Nichols Institute San Juan Capistrano
Classification: Uncertain significance. Last evaluated: 2017-07-19. Review status: criteria provided, single submitter. Criteria: Quest Diagnostics criteria. Collection method: clinical testing. Allele origin: germline.

Literature cited by the submitters: PubMed 31159747 (cited by Labcorp Genetics (formerly Invitae), Labcorp and Sema4); PubMed 33471991 (cited by Sema4).

NM_000535.7(PMS2):c.2332T>A (p.Phe778Ile)

Gene: PMS2 (PMS1 homolog 2, mismatch repair system component; minus strand). Cytogenetic location: 7p22.1.
Variant type: single nucleotide variant.
Coding change: c.2332T>A on transcript NM_000535.7 (MANE Select); coding-DNA position 2332, T replaced by A.
Protein change: p.Phe778Ile; replaces phenylalanine 778 with isoleucine.
Molecular consequence: missense variant. On other transcripts: non-coding transcript variant (1).
Genome position (GRCh38, 1-based): chr7:5,977,701, A>T on the plus strand (T>A on the coding strand, the complement: PMS2 is on the minus strand). VCF-style: chr7-5977701-A-T. GRCh37 (hg19) VCF-style: chr7-6017332-A-T.
Other names: c.1927T>A, p.Phe643Ile (NM_001322003.2, NM_001322004.2, NM_001322005.2); c.2176T>A, p.Phe726Ile (NM_001322006.2); c.2014T>A, p.Phe672Ile (NM_001322007.2, NM_001322008.2); c.1960T>A, p.Phe654Ile (NM_001322009.2); c.1771T>A, p.Phe591Ile (NM_001322010.2); c.1399T>A, p.Phe467Ile (NM_001322011.2, NM_001322012.2); c.1759T>A, p.Phe587Ile (NM_001322013.2); c.2365T>A, p.Phe789Ile (NM_001322014.2); and 1 more; short protein forms F778I, F591I, F643I, F672I, F675I, F587I, F726I, F467I.
Identifiers: ClinVar variation 233391 (VCV000233391.18), dbSNP rs876660374, ClinGen allele CA10578647.
Genomic context (GRCh38, chr7:5,977,701, plus strand): 5'-ACATGACCCCAGGGCTGTCGCTCAGCATGAAGATCAGTTCATCGACGTCCTGGGGTCCGA[A>T]GGTCCAGTTTTTACTAGTTGGCAAGGAAATCAGTTTAGCCCTTTCAGTGACTGGAGCTAA-3'
Protein context (NP_000526.2, residues 768-788): ISLPTSKNWT[Phe778Ile]GPQDVDELIF